The following is an entry in ClinVar:

NC_000005.9:g.(?_112175028)_(112177720_?)del

Gene: APC (APC regulator of Wnt signaling pathway; plus strand). Cytogenetic location: 5q22.2.
Variant type: Deletion.
Identifiers: ClinVar variation 3246385 (VCV003246385.1).

ClinVar aggregate classification (germline): Pathogenic (1 of 4 stars; one submission).

Conditions:
Familial adenomatous polyposis 1 (FAP1). Also called: POLYPOSIS, ADENOMATOUS INTESTINAL; FAMILIAL ADENOMATOUS POLYPOSIS 1, ATTENUATED. Identifiers: MedGen C2713442, MONDO:0021056, OMIM 175100. Disease mechanism: loss of function.

Submission:

Labcorp Genetics (formerly Invitae), Labcorp
Classification: Pathogenic for Familial adenomatous polyposis 1. Last evaluated: 2022-07-19. Review status: criteria provided, single submitter. Criteria: Invitae Variant Classification Sherloc (09022015). Collection method: clinical testing. Allele origin: unknown.
Comment: This sequence change creates a premature translational stop signal (p.Ala1247Glyfs*9) in the APC gene. While this is not anticipated to result in nonsense mediated decay, it is expected to disrupt the last 1597 amino acid(s) of the APC protein. This variant has not been reported in the literature in individuals affected with APC-related conditions. This variant is expected to disrupt the EB1 and HDLG binding sites, which mediate interactions with the cytoskeleton (PMID: 15311282, 17293347). While functional studies have not been performed to directly test the effect on APC protein function, this suggests that disruption of the C-terminal portion of the protein is functionally important. A different truncation (p.Tyr2645Lysfs*14) that lies downstream of this variant has been determined to be pathogenic (PMID: 9824584, 1316610, 27081525, 8381579, 22135120, Invitae). This suggests that deletion of this region of the APC protein is causative of disease. For these reasons, this variant has been classified as Pathogenic.

Literature cited by the submitters: PubMed 15311282; PubMed 17293347; PubMed 9824584; PubMed 1316610; PubMed 27081525; PubMed 8381579; PubMed 22135120.